The following is an entry in ClinVar:

NM_001353345.2(SETD1B):c.4221del (p.Phe1408fs)

Gene: SETD1B (SET domain containing 1B, histone lysine methyltransferase; plus strand). Cytogenetic location: 12q24.31.
Variant type: Deletion.
Coding change: c.4221del on transcript NM_001353345.2 (MANE Select); coding-DNA position 4221, one base deleted (C; older notation c.4221delC).
Protein change: p.Phe1408fs; shifts the reading frame from phenylalanine 1408.
Molecular consequence: frameshift variant.
Genome position (GRCh38, 1-based): chr12:121,822,800, C deleted; the last of 4 consecutive C bases (chr12:121,822,797-121,822,800); deleting any one gives the same sequence. VCF-style (leftmost placement, unchanged base first): chr12-121822796-GC-G. GRCh37 (hg19) VCF-style: chr12-122260702-GC-G.
Other names: short protein forms F1408fs.
Identifiers: ClinVar variation 4890780 (VCV004890780.1).

ClinVar aggregate classification (germline): Pathogenic (1 of 4 stars; one submission).

Conditions:
Intellectual developmental disorder with seizures and language delay (IDDSELD). Identifiers: MedGen C5436574, MONDO:0033559, OMIM 619000.

Submission:

Solve-RD Consortium
Classification: Pathogenic for Intellectual developmental disorder with seizures and language delay. Review status: criteria provided, single submitter. Criteria: ACMG Guidelines, 2015. Collection method: provider interpretation. Allele origin: germline. Inheritance: Autosomal dominant inheritance. Affected: yes. Study: Solve-RD DIFT-EpiCARE reanalysis.
Comment: PVS1, PM2, PS2

Variant identified during reanalysis of unsolved cases by the Solve-RD project. The Solve-RD project has received funding from the European Union’s Horizon 2020 research and innovation programme under grant agreement No 779257.